The following is an entry in ClinVar:

NM_002335.4(LRP5):c.1713G>A (p.Val571=)

Gene: LRP5 (LDL receptor related protein 5; plus strand). Cytogenetic location: 11q13.2.
Variant type: single nucleotide variant.
Coding change: c.1713G>A on transcript NM_002335.4 (MANE Select); coding-DNA position 1713, G replaced by A.
Protein change: p.Val571=; no amino-acid change (valine 571 retained).
Molecular consequence: synonymous variant. On other transcripts: 5 prime UTR variant (1).
Genome position (GRCh38, 1-based): chr11:68,403,611, G>A. VCF-style: chr11-68403611-G-A. GRCh37 (hg19) VCF-style: chr11-68171079-G-A.
Other names: c.-225G>A (NM_001291902.2); c.1713G>A (NM_002335.3).
Identifiers: ClinVar variation 1657943 (VCV001657943.11), dbSNP rs767464846, ClinGen allele CA6149414.
Genomic context (GRCh38, chr11:68,403,611, plus strand): 5'-CACGCTGCTGGGGGACTTCATCTACTGGACTGACTGGCAGCGCCGCAGCATCGAGCGGGT[G>A]CACAAGGTCAAGGCCAGCCGGGACGTCATCATTGACCAGCTGCCCGACCTGATGGGGCTC-3'
Protein context (NP_002326.2, residues 561-581): TDWQRRSIER[Val571=]HKVKASRDVI

ClinVar aggregate classification (germline): Likely benign. Review status: criteria provided, multiple submitters, no conflicts (2 of 4 stars). 4 submissions from 4 submitters: Likely benign (4). Last evaluated 2025-12-01.

Conditions:
LRP5-related disorder. Also called: LRP5-related condition.

Allele frequency attached by ClinVar (database versions not stated): gnomAD exomes 0.00001 and 0.00003; ExAC 0.00006; TOPMed 0.00006; gnomAD 0.00010 and 0.00011.
gnomAD v4.1: 34 of 1,614,084 alleles (0.0021%); highest among the groups gnomAD compares: African/African-American, 0.029%; no homozygotes.

Submissions (4):

Women's Health and Genetics/Laboratory Corporation of America, LabCorp
Classification: Likely benign. Last evaluated: 2025-12-01. Review status: criteria provided, single submitter. Criteria: LabCorp Variant Classification Summary - May 2015. Collection method: clinical testing. Allele origin: germline.

PreventionGenetics, part of Exact Sciences
Classification: Likely benign for LRP5-related condition. Last evaluated: 2024-12-31. Review status: criteria provided, single submitter. Criteria: ACMG Guidelines, 2015. Collection method: clinical testing. Allele origin: germline.
Comment: This variant is classified as likely benign based on ACMG/AMP sequence variant interpretation guidelines (Richards et al. 2015 PMID: 25741868, with internal and published modifications).

Labcorp Genetics (formerly Invitae), Labcorp
Classification: Likely benign. Last evaluated: 2024-12-18. Review status: criteria provided, single submitter. Criteria: Invitae Variant Classification Sherloc (09022015). Collection method: clinical testing. Allele origin: germline.

Blueprint Genetics
Classification: Likely benign. Last evaluated: 2023-03-03. Review status: criteria provided, single submitter. Criteria: ACMG Guidelines, 2015. Collection method: clinical testing. Allele origin: germline.